The following is an entry in ClinVar:

ClinVar aggregate classification (germline): Conflicting classifications of pathogenicity. Review status: criteria provided, conflicting classifications (1 of 4 stars). 13 submissions from 11 submitters: Uncertain significance (4); Benign (2); Likely benign (7). Last evaluated 2026-06-01.

Conditions:
Age related macular degeneration 9. Identifiers: MedGen C1969651, MONDO:0012659, OMIM 611378.
Atypical hemolytic-uremic syndrome with C3 anomaly. Also called: AHUS, SUSCEPTIBILITY TO, 5. Identifiers: Orphanet 2134, MedGen C2752037, MONDO:0013043, OMIM 612925.
C3-related disorder. Also called: C3-related condition.
C3 glomerulonephritis. Also called: C3 GLOMERULOPATHY 3; Nephropathy due to CFHR5 Deficiency. Identifiers: Orphanet 329931, MedGen C4055342, MONDO:0013892, OMIM 614809.
Atypical hemolytic-uremic syndrome. Identifiers: Orphanet 2134, MedGen C2931788, MONDO:0016244.
Complement component 3 deficiency. Identifiers: Orphanet 280133, MedGen C3151071, MONDO:0013417, OMIM 613779.

Allele frequency attached by ClinVar (database versions not stated): 1000 Genomes Project 30x 0.00078; 1000 Genomes Project 0.00080; gnomAD 0.00198 and 0.00199; ExAC 0.00209; gnomAD exomes 0.00218 and 0.00234; TOPMed 0.00221; ESP Exome Variant Server 0.00262.

Submissions (13):

CeGaT Center for Human Genetics Tuebingen
Classification: Benign. Last evaluated: 2026-06-01. Review status: criteria provided, single submitter. Criteria: CeGaT Center For Human Genetics Tuebingen Variant Classification Criteria Version 2. Collection method: clinical testing. Allele origin: germline. Affected: yes. Observed: 6 variant alleles.
Comment: C3: BP4, BS1, BS2

Women's Health and Genetics/Laboratory Corporation of America, LabCorp
Classification: Likely benign. Last evaluated: 2026-01-30. Review status: criteria provided, single submitter. Criteria: LabCorp Variant Classification Summary - May 2015. Collection method: clinical testing. Allele origin: germline.
Comment: Variant summary: C3 c.2203C>T (p.Arg735Trp) results in a non-conservative amino acid change in the encoded protein sequence. Algorithms developed to predict the effect of missense changes on protein structure and function are either unavailable or do not agree on the potential impact of this missense change. The variant allele was found at a frequency of 0.0022 in 249194 control chromosomes. The observed variant frequency exceeds the estimated maximal expected allele frequency for disease-causing variants in C3. c.2203C>T has been observed in individuals affected with atypical hemolytic-uremic syndrome, without strong evidence for causality (e.g. Fremeaux-Bacchi_2008, Brackman_2011, Schramm_2015, Ardissino_2021, Zhang_2022). These reports do not provide unequivocal conclusions about association of the variant with C3-related conditions. At least one publication reports experimental evidence evaluating an impact on protein function. These results showed no damaging effect of this variant on ligand or cofactor binding (Fremeaux-Bacchi_2008). The following publications have been ascertained in the context of this evaluation (PMID: 34169201, 21810760, 18796626, 25608561, 35619721). ClinVar contains an entry for this variant (Variation ID: 330310). Based on the evidence outlined above, the variant was classified as likely benign.

Labcorp Genetics (formerly Invitae), Labcorp
Classification: Likely benign. Last evaluated: 2026-01-26. Review status: criteria provided, single submitter. Criteria: Invitae Variant Classification Sherloc (09022015). Collection method: clinical testing. Allele origin: germline.

Genomenon, Inc
Classification: Likely benign for C3 glomerulonephritis; Atypical hemolytic-uremic syndrome. Last evaluated: 2025-09-30. Review status: criteria provided, single submitter. Criteria: Genomenon Sequence Variant Interpretation Standards. Collection method: curation. Allele origin: germline. Affected: yes.
Comment: C3 p.Arg735Trp (c.2203C>T) is a missense variant that changes the amino acid at residue 735 from Arginine to Tryptophan. This variant has been observed in at least one proband affected with a C3-related disorder (PMID:18796626;35619721;37744338;33988670;29331477;27587606). Functional studies have been reported; however, the significance of the findings remain unclear (PMID:30131807;18796626). This variant’s allele frequency in gnomAD is greater than expected for this disorder. In conclusion, we classify C3 p.Arg735Trp (c.2203C>T) as a likely benign variant.

PreventionGenetics, part of Exact Sciences
Classification: Likely benign for C3-related condition. Last evaluated: 2025-04-10. Review status: criteria provided, single submitter. Criteria: ACMG Guidelines, 2015. Collection method: clinical testing. Allele origin: germline.
Comment: This variant is classified as likely benign based on ACMG/AMP sequence variant interpretation guidelines (Richards et al. 2015 PMID: 25741868, with internal and published modifications).

Blueprint Genetics
Classification: Likely benign. Last evaluated: 2024-11-27. Review status: criteria provided, single submitter. Criteria: ACMG Guidelines, 2015. Collection method: clinical testing. Allele origin: germline.

GeneDx
Classification: Uncertain significance. Last evaluated: 2024-04-29. Review status: criteria provided, single submitter. Criteria: GeneDx Variant Classification Process June 2021. Collection method: clinical testing. Allele origin: germline. Affected: yes.
Comment: In silico analysis supports that this missense variant has a deleterious effect on protein structure/function; This variant is associated with the following publications: (PMID: 21810760, 26638553, 35619721, 30890598, 31635417, 30377230, 18796626, 34169201, 33988670, 30131807, 35532072, 34647987, 23431077, 24036952, 25034031, 27939104, 24736606)

Mayo Clinic Laboratories, Mayo Clinic
Classification: Uncertain significance. Last evaluated: 2022-06-29. Review status: criteria provided, single submitter. Criteria: ACMG Guidelines, 2015. Collection method: clinical testing. Allele origin: germline. Observed: 4 variant alleles.
Comment: BS3

Genome Diagnostics Laboratory, The Hospital for Sick Children
Classification: Uncertain significance for Atypical hemolytic-uremic syndrome. Last evaluated: 2022-03-03. Review status: criteria provided, single submitter. Criteria: ACMG Guidelines, 2015. Collection method: clinical testing. Allele origin: germline.

Genetic Services Laboratory, University of Chicago
Classification: Likely benign. Last evaluated: 2018-04-05. Review status: criteria provided, single submitter. Criteria: ACMG Guidelines, 2015. Collection method: clinical testing. Allele origin: germline. Affected: no.

Illumina Laboratory Services, Illumina
Classification: Uncertain significance for Complement component 3 deficiency. Last evaluated: 2017-04-27. Review status: criteria provided, single submitter. Criteria: ICSL Variant Classification Criteria 13 December 2019. Collection method: clinical testing. Allele origin: germline.

Illumina Laboratory Services, Illumina
Classification: Benign for Atypical hemolytic-uremic syndrome with C3 anomaly. Last evaluated: 2017-04-27. Review status: criteria provided, single submitter. Criteria: ICSL Variant Classification Criteria 13 December 2019. Collection method: clinical testing. Allele origin: germline.
Comment: This variant was observed as part of a predisposition screen in an ostensibly healthy population. A literature search was performed for the gene, cDNA change, and amino acid change (where applicable). Publications were found based on this search. The evidence from the literature, in combination with allele frequency data from public databases where available, was sufficient to rule this variant out of causing disease. Therefore, this variant is classified as benign.

Illumina Laboratory Services, Illumina
Classification: Likely benign for Age related macular degeneration 9. Last evaluated: 2017-04-27. Review status: criteria provided, single submitter. Criteria: ICSL Variant Classification Criteria 13 December 2019. Collection method: clinical testing. Allele origin: germline.
Comment: This variant was observed as part of a predisposition screen in an ostensibly healthy population. A literature search was performed for the gene, cDNA change, and amino acid change (where applicable). Publications were found based on this search. The evidence from the literature, in combination with allele frequency data from public databases where available, was sufficient to determine this variant is unlikely to cause disease. Therefore, this variant is classified as likely benign.

Literature cited by the submitters: PubMed 18796626 (cited by 3 submitters); PubMed 25608561 (cited by Women's Health and Genetics/Laboratory Corporation of America, LabCorp); PubMed 34169201 (cited by Women's Health and Genetics/Laboratory Corporation of America, LabCorp and Mayo Clinic Laboratories, Mayo Clinic); PubMed 35619721 (cited by Women's Health and Genetics/Laboratory Corporation of America, LabCorp and Genomenon, Inc); PubMed 21810760 (cited by Women's Health and Genetics/Laboratory Corporation of America, LabCorp and Mayo Clinic Laboratories, Mayo Clinic); PubMed 37744338 (cited by Genomenon, Inc); PubMed 33988670 (cited by Genomenon, Inc); PubMed 29331477 (cited by Genomenon, Inc); PubMed 27587606 (cited by Genomenon, Inc); PubMed 30131807 (cited by Genomenon, Inc); PubMed 30377230 (cited by Mayo Clinic Laboratories, Mayo Clinic); PubMed 30890598 (cited by Mayo Clinic Laboratories, Mayo Clinic); PubMed 23431077 (cited by Illumina Laboratory Services, Illumina); PubMed 24736606 (cited by Illumina Laboratory Services, Illumina); PubMed 24036952 (cited by Illumina Laboratory Services, Illumina).

NM_000064.4(C3):c.2203C>T (p.Arg735Trp)

Gene: C3 (complement C3; minus strand). Cytogenetic location: 19p13.3.
Variant type: single nucleotide variant.
Coding change: c.2203C>T on transcript NM_000064.4 (MANE Select); coding-DNA position 2203, C replaced by T.
Protein change: p.Arg735Trp; replaces arginine 735 with tryptophan.
Molecular consequence: missense variant.
Genome position (GRCh38, 1-based): chr19:6,707,118, G>A on the plus strand (C>T on the coding strand, the complement: C3 is on the minus strand). VCF-style: chr19-6707118-G-A. GRCh37 (hg19) VCF-style: chr19-6707129-G-A.
Other names: c.2203C>T (LRG_27t1); short protein forms R735W.
Identifiers: ClinVar variation 330310 (VCV000330310.51), dbSNP rs117793540, ClinGen allele CA9129171.
Genomic context (GRCh38, chr19:6,707,118, plus strand): 5'-CCACCCCGTGGGACCTACTCCTGGCCAGGCCCAGGTGGCTGGCCCGCGCGTGCTGCCGCC[G>A]CAGCTCTGTGATGTAGTTGCAGCAGTCCAGGAAGACCTTCTTGCACGCCTCGCCCAGGGA-3'
Protein context (NP_000055.2, residues 725-745): LDCCNYITEL[Arg735Trp]RQHARASHLG